The following is an entry in ClinVar:

NM_025137.4(SPG11):c.5948A>G (p.Lys1983Arg)

Gene: SPG11 (SPG11 vesicle trafficking associated, spatacsin; minus strand). Cytogenetic location: 15q21.1.
Variant type: single nucleotide variant.
Coding change: c.5948A>G on transcript NM_025137.4 (MANE Select); coding-DNA position 5948, A replaced by G.
Protein change: p.Lys1983Arg; replaces lysine 1983 with arginine.
Molecular consequence: missense variant. On other transcripts: intron variant (1).
Genome position (GRCh38, 1-based): chr15:44,574,960, T>C on the plus strand (A>G on the coding strand, the complement: SPG11 is on the minus strand). VCF-style: chr15-44574960-T-C. GRCh37 (hg19) VCF-style: chr15-44867158-T-C.
Other names: c.5804A>G, p.Lys1935Arg (NM_001411132.1); c.5867-2140A>G (NM_001160227.2); short protein forms K1935R, K1983R.
Identifiers: ClinVar variation 2144147 (VCV002144147.1), dbSNP rs528018764, ClinGen allele CA392218789.
Genomic context (GRCh38, chr15:44,574,960, plus strand): 5'-ACCTTGGCAAGATCATACAGACAGAGGACCTGTCGACAGTAGTTCTTCCCATGGAGGCAT[T>C]TGCTTGTCAGCACTTCCAGGTTAGTTACCACTTCATTACTGGAGGGCACTGTCACAAACT-3'
Protein context (NP_079413.3, residues 1973-1993): VVTNLEVLTS[Lys1983Arg]CLHGKNYCRQ

ClinVar aggregate classification (germline): Uncertain significance (1 of 4 stars; one submission).

Conditions:
Hereditary spastic paraplegia 11. Also called: SPASTIC PARAPLEGIA, AUTOSOMAL RECESSIVE, COMPLICATED, WITH THIN CORPUS CALLOSUM; SPASTIC PARAPLEGIA, AUTOSOMAL RECESSIVE, WITH MENTAL IMPAIRMENT AND THIN CORPUS CALLOSUM; Spastic Paraplegia 11; Nakamura Osame syndrome; Autosomal recessive hereditary spastic paraplegia, mental impairment, and thin corpus callosum; Spastic paraplegia, mental retardation and thin corpus callosum. Identifiers: Orphanet 2822, MedGen C1858479, MONDO:0011445, OMIM 604360.

Allele frequency attached by ClinVar (database versions not stated): TOPMed 0.00002.
gnomAD v4.1: 4 of 1,614,042 alleles (0.00025%); highest among the groups gnomAD compares: Non-Finnish European, 0.00025%; no homozygotes.

Submission:

Labcorp Genetics (formerly Invitae), Labcorp
Classification: Uncertain significance for Hereditary spastic paraplegia 11. Last evaluated: 2022-08-21. Review status: criteria provided, single submitter. Criteria: Invitae Variant Classification Sherloc (09022015). Collection method: clinical testing. Allele origin: germline.
Comment: This sequence change replaces lysine, which is basic and polar, with arginine, which is basic and polar, at codon 1983 of the SPG11 protein (p.Lys1983Arg). This variant is not present in population databases (gnomAD no frequency). This variant has not been reported in the literature in individuals affected with SPG11-related conditions. Algorithms developed to predict the effect of missense changes on protein structure and function output the following: SIFT: "Tolerated"; PolyPhen-2: "Benign"; Align-GVGD: "Class C0". The arginine amino acid residue is found in multiple mammalian species, which suggests that this missense change does not adversely affect protein function. In summary, the available evidence is currently insufficient to determine the role of this variant in disease. Therefore, it has been classified as a Variant of Uncertain Significance.